The following is an entry in ClinVar:

ClinVar aggregate classification (germline): Likely benign (1 of 4 stars; one submission).

Allele frequency attached by ClinVar (database versions not stated): gnomAD exomes 0.00002; gnomAD 0.00003; TOPMed 0.00011; ExAC 0.00013.
gnomAD v4.1: 28 of 1,165,479 alleles (0.0024%); highest among the groups gnomAD compares: Middle Eastern, 0.28%; no homozygotes.

Submission:

CeGaT Center for Human Genetics Tuebingen
Classification: Likely benign. Last evaluated: 2022-05-01. Review status: criteria provided, single submitter. Criteria: CeGaT Center For Human Genetics Tuebingen Variant Classification Criteria Version 2. Collection method: clinical testing. Allele origin: germline. Affected: yes. Observed: 1 variant allele.
Comment: NHSL2: BP4, BP7

NM_001013627.3(NHSL2):c.1056G>A (p.Pro352=)

Gene: NHSL2 (NHS like 2; plus strand). Cytogenetic location: Xq13.1.
Variant type: single nucleotide variant.
Coding change: c.1056G>A on transcript NM_001013627.3 (MANE Select); coding-DNA position 1056, G replaced by A.
Protein change: p.Pro352=; no amino-acid change (proline 352 retained).
Molecular consequence: synonymous variant.
Genome position (GRCh38, 1-based): chrX:72,138,604, G>A. VCF-style: chrX-72138604-G-A. GRCh37 (hg19) VCF-style: chrX-71358454-G-A.
Identifiers: ClinVar variation 2660900 (VCV002660900.24), dbSNP rs767264318, ClinGen allele CA10448897.
Genomic context (GRCh38, chrX:72,138,604, plus strand): 5'-TCAGGATGCTCGGTTCCCAAGTCTCACCTCGCCAGTACTGAGAACTCCTTCCAGTGAGCC[G>A]GACGAACCTCACCAGGCACGGAGTGGCCCAAACCCTCCTGGCATGGAGAGCATGGGAATG-3'
Protein context (NP_001013649.2, residues 342-362): SPVLRTPSSE[Pro352=]DEPHQARSGP